The following is an entry in ClinVar:

ClinVar aggregate classification (germline): Pathogenic. Review status: criteria provided, multiple submitters, no conflicts (2 of 4 stars). 2 submissions from 2 submitters: Pathogenic (2). Last evaluated 2024-06-28.

Conditions:
Hereditary cancer-predisposing syndrome. Also called: Neoplastic Syndromes, Hereditary; Tumor predisposition; Hereditary neoplastic syndrome; Hereditary Cancer Syndrome. Identifiers: Orphanet 140162, MedGen C0027672, MeSH D009386, MONDO:0015356.
Cardiovascular phenotype. Identifiers: MedGen CN230736.

Submissions (2):

Labcorp Genetics (formerly Invitae), Labcorp
Classification: Pathogenic. Last evaluated: 2024-06-28. Review status: criteria provided, single submitter. Criteria: Invitae Variant Classification Sherloc (09022015). Collection method: clinical testing. Allele origin: germline.
Comment: This sequence change creates a premature translational stop signal (p.Arg388Serfs*73) in the LZTR1 gene. It is expected to result in an absent or disrupted protein product. Loss-of-function variants in LZTR1 are known to be pathogenic (PMID: 24362817, 25335493, 25480913, 25795793, 29469822, 30368668, 30442762, 30442766, 30481304, 30859559). This variant is not present in population databases (gnomAD no frequency). This variant has not been reported in the literature in individuals affected with LZTR1-related conditions. For these reasons, this variant has been classified as Pathogenic.

Ambry Genetics
Classification: Pathogenic for Cardiovascular phenotype; Hereditary cancer-predisposing syndrome. Last evaluated: 2023-06-06. Review status: criteria provided, single submitter. Criteria: Ambry Variant Classification Scheme 2023. Collection method: clinical testing. Allele origin: germline.
Comment: The c.1164delG pathogenic mutation, located in coding exon 11 of the LZTR1 gene, results from a deletion of one nucleotide at nucleotide position 1164, causing a translational frameshift with a predicted alternate stop codon (p.R388Sfs*73). This alteration is expected to result in loss of function by premature protein truncation or nonsense-mediated mRNA decay. Loss-of-function variants in LZTR1 are related to an increased risk for schwannomas and autosomal recessive Noonan syndrome; however, such associations with autosomal dominant Noonan syndrome have not been observed (Piotrowski A et al. Nat Genet. 2014 Feb;46:182-7; Yamamoto GL et al. J Med Genet. 2015 Jun;52:413-21; Johnston JJ et al. Genet Med. 2018 10;20:1175-1185). Based on the supporting evidence, this variant is pathogenic for an increased risk of LZTR1-related schwannomatosis (SWN) and would be expected to cause autosomal recessive Noonan syndrome when present along with a second pathogenic or likely pathogenic variant on the other allele; however, the association of this alteration with autosomal dominant Noonan syndrome is unlikely.

Literature cited by the submitters: PubMed 24362817 (cited by Labcorp Genetics (formerly Invitae), Labcorp); PubMed 25335493 (cited by Labcorp Genetics (formerly Invitae), Labcorp); PubMed 25480913 (cited by Labcorp Genetics (formerly Invitae), Labcorp); PubMed 25795793 (cited by Labcorp Genetics (formerly Invitae), Labcorp); PubMed 29469822 (cited by Labcorp Genetics (formerly Invitae), Labcorp); PubMed 30368668 (cited by Labcorp Genetics (formerly Invitae), Labcorp); PubMed 30442762 (cited by Labcorp Genetics (formerly Invitae), Labcorp); PubMed 30442766 (cited by Labcorp Genetics (formerly Invitae), Labcorp); PubMed 30481304 (cited by Labcorp Genetics (formerly Invitae), Labcorp); PubMed 30859559 (cited by Labcorp Genetics (formerly Invitae), Labcorp).

NM_006767.4(LZTR1):c.1164del (p.Arg388fs)

Gene: LZTR1 (leucine zipper like post translational regulator 1; plus strand). Cytogenetic location: 22q11.21.
Variant type: Deletion.
Coding change: c.1164del on transcript NM_006767.4 (MANE Select); coding-DNA position 1164, one base deleted (G; older notation c.1164delG).
Protein change: p.Arg388fs; shifts the reading frame from arginine 388.
Molecular consequence: frameshift variant.
Genome position (GRCh38, 1-based): chr22:20,992,808, G deleted; the last of 2 consecutive G bases (chr22:20,992,807-20,992,808); deleting either gives the same sequence. VCF-style (leftmost placement, unchanged base first): chr22-20992806-AG-A. GRCh37 (hg19) VCF-style: chr22-21347095-AG-A.
Other names: short protein forms R388fs.
Identifiers: ClinVar variation 3238026 (VCV003238026.3), dbSNP rs2518618751.